The following is an entry in ClinVar:

NM_001360016.2(G6PD):c.910G>A (p.Val304Ile)

Gene: G6PD (glucose-6-phosphate dehydrogenase; minus strand). Cytogenetic location: Xq28.
Variant type: single nucleotide variant.
Coding change: c.910G>A on transcript NM_001360016.2 (MANE Select); coding-DNA position 910, G replaced by A.
Protein change: p.Val304Ile; replaces valine 304 with isoleucine.
Molecular consequence: missense variant.
Genome position (GRCh38, 1-based): chrX:154,533,083, C>T on the plus strand (G>A on the coding strand, the complement: G6PD is on the minus strand). VCF-style: chrX-154533083-C-T. GRCh37 (hg19) VCF-style: chrX-153761298-C-T.
Other names: c.1000G>A, p.Val334Ile (NM_000402.4); c.910G>A, p.Val304Ile (NM_001042351.3); short protein forms V304I, V334I.
Identifiers: ClinVar variation 3719769 (VCV003719769.2).
Genomic context (GRCh38, chrX:154,533,083, plus strand): 5'-CCAGGTACCCTTTGGTGGCCTCGCCCTCTCCATCGGGGTTCCCCACGTACTGGCCCAGGA[C>T]CACATTGTTGGCCTGCACCTCTGAGATGCATTTCAACACCTTGACCTGAGAGAAAGCCAA-3'
Protein context (NP_001346945.1, residues 294-314): CISEVQANNV[Val304Ile]LGQYVGNPDG

ClinVar aggregate classification (germline): Uncertain significance (1 of 4 stars; one submission).

Conditions:
Anemia, nonspherocytic hemolytic, due to G6PD deficiency (CNSHA1). Also called: ANEMIA, CONGENITAL, NONSPHEROCYTIC HEMOLYTIC, 1; Hemolytic anemia due to G6PD deficiency; Class I glucose-6-phosphate dehydrogenase deficiency; Favism, susceptibility to. Identifiers: Orphanet 466026, MedGen C2720289, MONDO:0010480, OMIM 300908.

Submission:

Labcorp Genetics (formerly Invitae), Labcorp
Classification: Uncertain significance for Anemia, nonspherocytic hemolytic, due to G6PD deficiency. Last evaluated: 2024-12-13. Review status: criteria provided, single submitter. Criteria: Invitae Variant Classification Sherloc (09022015). Collection method: clinical testing. Allele origin: germline.
Comment: This sequence change replaces valine, which is neutral and non-polar, with isoleucine, which is neutral and non-polar, at codon 304 of the G6PD protein (p.Val304Ile). This variant is not present in population databases (gnomAD no frequency). This variant has not been reported in the literature in individuals affected with G6PD-related conditions. Invitae Evidence Modeling of protein sequence and biophysical properties (such as structural, functional, and spatial information, amino acid conservation, physicochemical variation, residue mobility, and thermodynamic stability) indicates that this missense variant is expected to disrupt G6PD protein function with a positive predictive value of 80%. In summary, the available evidence is currently insufficient to determine the role of this variant in disease. Therefore, it has been classified as a Variant of Uncertain Significance.